The following is an entry in ClinVar:

NM_001365951.3(KIF1B):c.1755T>A (p.Ser585Arg)

Gene: KIF1B (kinesin family member 1B; plus strand). Cytogenetic location: 1p36.22.
Variant type: single nucleotide variant.
Coding change: c.1755T>A on transcript NM_001365951.3 (MANE Select); coding-DNA position 1755, T replaced by A.
Protein change: p.Ser585Arg; replaces serine 585 with arginine.
Molecular consequence: missense variant.
Genome position (GRCh38, 1-based): chr1:10,295,744, T>A. VCF-style: chr1-10295744-T-A. GRCh37 (hg19) VCF-style: chr1-10355802-T-A.
Other names: c.1755T>A, p.Ser585Arg (NM_001365952.1); c.1617T>A, p.Ser539Arg (NM_001365953.1, NM_015074.3, NM_183416.4); short protein forms S585R, S539R.
Identifiers: ClinVar variation 1776521 (VCV001776521.3), dbSNP rs771291092, ClinGen allele CA581067.

ClinVar aggregate classification (germline): Uncertain significance (1 of 4 stars; one submission).

gnomAD v4.1: 4 of 1,613,668 alleles (0.00025%); highest among the groups gnomAD compares: South Asian, 0.0044%; no homozygotes.

Submission:

Ambry Genetics
Classification: Uncertain significance. Last evaluated: 2025-05-19. Review status: criteria provided, single submitter. Criteria: Ambry Variant Classification Scheme 2023. Collection method: clinical testing. Allele origin: germline.
Comment: The p.S539R variant (also known as c.1617T>A), located in coding exon 16 of the KIF1B gene, results from a T to A substitution at nucleotide position 1617. The serine at codon 539 is replaced by arginine, an amino acid with dissimilar properties. This amino acid position is conserved. In addition, this alteration is predicted to be deleterious by in silico analysis. Since supporting evidence is limited at this time, the clinical significance of this alteration remains unclear.